The following is an entry in ClinVar:

NM_002485.5(NBN):c.1715C>G (p.Pro572Arg)

Gene: NBN (nibrin; minus strand). Cytogenetic location: 8q21.3.
Variant type: single nucleotide variant.
Coding change: c.1715C>G on transcript NM_002485.5 (MANE Select); coding-DNA position 1715, C replaced by G.
Protein change: p.Pro572Arg; replaces proline 572 with arginine.
Molecular consequence: missense variant.
Genome position (GRCh38, 1-based): chr8:89,953,374, G>C on the plus strand (C>G on the coding strand, the complement: NBN is on the minus strand). VCF-style: chr8-89953374-G-C. GRCh37 (hg19) VCF-style: chr8-90965602-G-C.
Other names: c.1469C>G, p.Pro490Arg (NM_001024688.3); short protein forms P572R, P490R.
Identifiers: ClinVar variation 3298628 (VCV003298628.3).

ClinVar aggregate classification (germline): Uncertain significance. Review status: criteria provided, multiple submitters, no conflicts (2 of 4 stars). 2 submissions from 2 submitters: Uncertain significance (2). Last evaluated 2024-10-27.

Conditions:
Microcephaly, normal intelligence and immunodeficiency (NBS). Also called: BERLIN BREAKAGE SYNDROME; Immunodeficiency, microcephaly with normal intelligence; IMMUNODEFICIENCY, MICROCEPHALY, AND CHROMOSOMAL INSTABILITY; SEEMANOVA SYNDROME II; Ataxia telangiectasia variant V1; Nijmegen breakage syndrome. Identifiers: Orphanet 647, MedGen C0398791, MONDO:0009623, OMIM 251260.
Hereditary cancer-predisposing syndrome. Also called: Neoplastic Syndromes, Hereditary; Hereditary neoplastic syndrome; Tumor predisposition; Hereditary Cancer Syndrome. Identifiers: Orphanet 140162, MedGen C0027672, MeSH D009386, MONDO:0015356.

Submissions (2):

Labcorp Genetics (formerly Invitae), Labcorp
Classification: Uncertain significance for Microcephaly, normal intelligence and immunodeficiency. Last evaluated: 2024-10-27. Review status: criteria provided, single submitter. Criteria: Invitae Variant Classification Sherloc (09022015). Collection method: clinical testing. Allele origin: germline.
Comment: This sequence change replaces proline, which is neutral and non-polar, with arginine, which is basic and polar, at codon 572 of the NBN protein (p.Pro572Arg). This variant is not present in population databases (gnomAD no frequency). This variant has not been reported in the literature in individuals affected with NBN-related conditions. An algorithm developed to predict the effect of missense changes on protein structure and function (PolyPhen-2) suggests that this variant is likely to be tolerated. In summary, the available evidence is currently insufficient to determine the role of this variant in disease. Therefore, it has been classified as a Variant of Uncertain Significance.

Ambry Genetics
Classification: Uncertain significance for Hereditary cancer-predisposing syndrome. Last evaluated: 2024-04-10. Review status: criteria provided, single submitter. Criteria: Ambry Variant Classification Scheme 2023. Collection method: clinical testing. Allele origin: germline.
Comment: The p.P572R variant (also known as c.1715C>G), located in coding exon 11 of the NBN gene, results from a C to G substitution at nucleotide position 1715. The proline at codon 572 is replaced by arginine, an amino acid with dissimilar properties. This amino acid position is conserved. In addition, this alteration is predicted to be tolerated by in silico analysis. Based on the available evidence, the clinical significance of this variant remains unclear.